The following is an entry in ClinVar:

NM_022089.4(ATP13A2):c.1570G>A (p.Asp524Asn)

Gene: ATP13A2 (ATPase cation transporting 13A2; minus strand). Cytogenetic location: 1p36.13.
Variant type: single nucleotide variant.
Coding change: c.1570G>A on transcript NM_022089.4 (MANE Select); coding-DNA position 1570, G replaced by A.
Protein change: p.Asp524Asn; replaces aspartic acid 524 with asparagine.
Molecular consequence: missense variant.
Genome position (GRCh38, 1-based): chr1:16,993,808, C>T on the plus strand (G>A on the coding strand, the complement: ATP13A2 is on the minus strand). VCF-style: chr1-16993808-C-T. GRCh37 (hg19) VCF-style: chr1-17320303-C-T.
Other names: c.1555G>A, p.Asp519Asn (NM_001141973.3, NM_001141974.3); short protein forms D519N, D524N.
Identifiers: ClinVar variation 2134246 (VCV002134246.4), dbSNP rs2523425693, ClinGen allele CA338249099.
Genomic context (GRCh38, chr1:16,993,808, plus strand): 5'-GAGGCTCTGGGACCAGGGGCAGGAATGCCTGCCCCTTCAGGGGCACCACCCCCATCACGT[C>T]TAAGCCGTCCTCAGTGAGGGTGCCCGTCTGTGGGAGACAGGTGGGTGGGGCAGCGATGAG-3'
Protein context (NP_071372.1, residues 514-534): KTGTLTEDGL[Asp524Asn]VMGVVPLKGQ

ClinVar aggregate classification (germline): Uncertain significance (1 of 4 stars; one submission).

Conditions:
Autosomal recessive spastic paraplegia type 78. Identifiers: Orphanet 513436, MedGen C5567893, MONDO:0014975, OMIM 617225.
Kufor-Rakeb syndrome (KRS). Also called: PARKINSON DISEASE 9, AUTOSOMAL RECESSIVE, JUVENILE-ONSET. Identifiers: Orphanet 306674, Orphanet 314632, MedGen C1847640, MONDO:0011706, OMIM 606693.

Submission:

Labcorp Genetics (formerly Invitae), Labcorp
Classification: Uncertain significance for Kufor-Rakeb syndrome; Autosomal recessive spastic paraplegia type 78. Last evaluated: 2022-07-22. Review status: criteria provided, single submitter. Criteria: Invitae Variant Classification Sherloc (09022015). Collection method: clinical testing. Allele origin: germline.
Comment: In summary, the available evidence is currently insufficient to determine the role of this variant in disease. Therefore, it has been classified as a Variant of Uncertain Significance. Algorithms developed to predict the effect of missense changes on protein structure and function output the following: SIFT: "Deleterious"; PolyPhen-2: "Benign"; Align-GVGD: "Class C15". The asparagine amino acid residue is found in multiple mammalian species, which suggests that this missense change does not adversely affect protein function. This variant has not been reported in the literature in individuals affected with ATP13A2-related conditions. This variant is not present in population databases (gnomAD no frequency). This sequence change replaces aspartic acid, which is acidic and polar, with asparagine, which is neutral and polar, at codon 524 of the ATP13A2 protein (p.Asp524Asn).